The following is an entry in ClinVar:

ClinVar aggregate classification (germline): Uncertain significance (1 of 4 stars; one submission).

Conditions:
Seizures, benign familial infantile, 3 (BFIS3). Also called: CONVULSIONS, BENIGN FAMILIAL INFANTILE, 3; Familial neonatal seizures. Identifiers: Orphanet 140927, Orphanet 306, MedGen C1843140, MONDO:0011904, OMIM 607745.
Developmental and epileptic encephalopathy, 11 (DEE11). Also called: Early infantile epileptic encephalopathy 11. Identifiers: Orphanet 1934, MedGen C3150987, MONDO:0013388, OMIM 613721.

Submission:

Labcorp Genetics (formerly Invitae), Labcorp
Classification: Uncertain significance for Seizures, benign familial infantile, 3; Developmental and epileptic encephalopathy, 11. Last evaluated: 2023-04-28. Review status: criteria provided, single submitter. Criteria: Invitae Variant Classification Sherloc (09022015). Collection method: clinical testing. Allele origin: germline.
Comment: In summary, the available evidence is currently insufficient to determine the role of this variant in disease. Therefore, it has been classified as a Variant of Uncertain Significance. Advanced modeling of protein sequence and biophysical properties (such as structural, functional, and spatial information, amino acid conservation, physicochemical variation, residue mobility, and thermodynamic stability) performed at Invitae indicates that this missense variant is not expected to disrupt SCN2A protein function. This variant has not been reported in the literature in individuals affected with SCN2A-related conditions. This variant is not present in population databases (gnomAD no frequency). This sequence change replaces valine, which is neutral and non-polar, with leucine, which is neutral and non-polar, at codon 1109 of the SCN2A protein (p.Val1109Leu).

NM_001040142.2(SCN2A):c.3325G>C (p.Val1109Leu)

Gene: SCN2A (sodium voltage-gated channel alpha subunit 2; plus strand). Cytogenetic location: 2q24.3.
Variant type: single nucleotide variant.
Coding change: c.3325G>C on transcript NM_001040142.2 (MANE Select); coding-DNA position 3325, G replaced by C.
Protein change: p.Val1109Leu; replaces valine 1109 with leucine.
Molecular consequence: missense variant.
Genome position (GRCh38, 1-based): chr2:165,354,597, G>C. VCF-style: chr2-165354597-G-C. GRCh37 (hg19) VCF-style: chr2-166211107-G-C.
Other names: c.3325G>C, p.Val1109Leu (NM_001040143.2, NM_001371246.1, NM_001371247.1 and 1 more transcripts); short protein forms V1109L.
Identifiers: ClinVar variation 2947222 (VCV002947222.3), dbSNP rs1261042795, ClinGen allele CA349021890.
Genomic context (GRCh38, chr2:165,354,597, plus strand): 5'-GAAAGTGATTACATGTCATTTATAAACAACCCTAGCCTCACTGTGACAGTACCAATTGCT[G>C]TTGGAGAATCTGACTTTGAAAATTTAAATACTGAAGAATTCAGCAGCGAGTCAGATATGG-3'
Protein context (NP_001035232.1, residues 1099-1119): PSLTVTVPIA[Val1109Leu]GESDFENLNT